The following is an entry in ClinVar:

ClinVar aggregate classification (germline): Uncertain significance (1 of 4 stars; one submission).

gnomAD v4.1: 2 of 1,479,068 alleles (0.00014%); highest among the groups gnomAD compares: Non-Finnish European, 0.00018%; no homozygotes.

Submission:

GeneDx
Classification: Uncertain significance. Last evaluated: 2024-06-06. Review status: criteria provided, single submitter. Criteria: GeneDx Variant Classification Process June 2021. Collection method: clinical testing. Allele origin: germline. Affected: yes.
Comment: Not observed at significant frequency in large population cohorts (gnomAD); In silico analysis indicates that this missense variant does not alter protein structure/function; Has not been previously published as pathogenic or benign to our knowledge

NM_152416.4(NDUFAF6):c.104G>T (p.Arg35Leu)

Genes: NDUFAF6 (NADH:ubiquinone oxidoreductase complex assembly factor 6; plus strand), LOC113788297 (Sharpr-MPRA regulatory region 2014; plus strand). Cytogenetic location: 8q22.1.
Variant type: single nucleotide variant.
Coding change: c.104G>T on transcript NM_152416.4 (MANE Select); coding-DNA position 104, G replaced by T.
Protein change: p.Arg35Leu; replaces arginine 35 with leucine.
Molecular consequence: missense variant. On other transcripts: 5 prime UTR variant (12), non-coding transcript variant (6), intron variant (7).
Genome position (GRCh38, 1-based): chr8:95,025,112, G>T. VCF-style: chr8-95025112-G-T. GRCh37 (hg19) VCF-style: chr8-96037340-G-T.
Other names: c.-177G>T (NM_001330582.2, NM_001354521.2); c.-130G>T (NM_001354517.2); c.-349G>T (NM_001354518.2); c.-345G>T (NM_001354519.2); c.-694G>T (NM_001354527.2); c.-665G>T (NM_001354528.2); c.-477G>T (NM_001354529.2); c.-579G>T (NM_001354530.2); and 8 more; short protein forms R35L.
Identifiers: ClinVar variation 3384662 (VCV003384662.1).